The following is an entry in ClinVar:

NM_001365951.3(KIF1B):c.5423G>A (p.Arg1808His)

Gene: KIF1B (kinesin family member 1B; plus strand). Cytogenetic location: 1p36.22.
Variant type: single nucleotide variant.
Coding change: c.5423G>A on transcript NM_001365951.3 (MANE Select); coding-DNA position 5423, G replaced by A.
Protein change: p.Arg1808His; replaces arginine 1808 with histidine.
Molecular consequence: missense variant.
Genome position (GRCh38, 1-based): chr1:10,376,559, G>A. VCF-style: chr1-10376559-G-A. GRCh37 (hg19) VCF-style: chr1-10436617-G-A.
Other names: c.5423G>A, p.Arg1808His (NM_001365952.1); c.5285G>A, p.Arg1762His (NM_015074.3); short protein forms R1762H, R1808H.
Identifiers: ClinVar variation 1319764 (VCV001319764.9), dbSNP rs770215708, ClinGen allele CA582353.

ClinVar aggregate classification (germline): Uncertain significance. Review status: criteria provided, multiple submitters, no conflicts (2 of 4 stars). 3 submissions from 3 submitters: Uncertain significance (3). Last evaluated 2024-08-17.

Conditions:
Charcot-Marie-Tooth disease type 2. Also called: Charcot-Marie-Tooth type 2. Identifiers: Orphanet 64746, MedGen C0270914, MONDO:0018993.

Allele frequency attached by ClinVar (database versions not stated): ExAC 0.00002; gnomAD exomes 0.00002 and 0.00001.
gnomAD v4.1: 10 of 1,613,970 alleles (0.00062%); highest among the groups gnomAD compares: African/African-American, 0.0027%; no homozygotes.

Submissions (3):

Ambry Genetics
Classification: Uncertain significance. Last evaluated: 2024-08-17. Review status: criteria provided, single submitter. Criteria: Ambry Variant Classification Scheme 2023. Collection method: clinical testing. Allele origin: germline.
Comment: The p.R1762H variant (also known as c.5285G>A), located in coding exon 46 of the KIF1B gene, results from a G to A substitution at nucleotide position 5285. The arginine at codon 1762 is replaced by histidine, an amino acid with highly similar properties. This amino acid position is well conserved in available vertebrate species. In addition, the in silico prediction for this alteration is inconclusive. Since supporting evidence is limited at this time, the clinical significance of this alteration remains unclear.

Labcorp Genetics (formerly Invitae), Labcorp
Classification: Uncertain significance for Charcot-Marie-Tooth disease type 2. Last evaluated: 2023-07-17. Review status: criteria provided, single submitter. Criteria: Invitae Variant Classification Sherloc (09022015). Collection method: clinical testing. Allele origin: germline.
Comment: In summary, the available evidence is currently insufficient to determine the role of this variant in disease. Therefore, it has been classified as a Variant of Uncertain Significance. This variant has not been reported in the literature in individuals affected with KIF1B-related conditions. This variant is present in population databases (rs770215708, gnomAD 0.003%). This sequence change replaces arginine, which is basic and polar, with histidine, which is basic and polar, at codon 1762 of the KIF1B protein (p.Arg1762His). ClinVar contains an entry for this variant (Variation ID: 1319764). An algorithm developed to predict the effect of missense changes on protein structure and function (PolyPhen-2) suggests that this variant is likely to be disruptive.

Institute for Clinical Genetics, University Hospital TU Dresden, University Hospital TU Dresden
Classification: Uncertain significance. Last evaluated: 2021-11-03. Review status: criteria provided, single submitter. Criteria: ACMG Guidelines, 2015. Collection method: clinical testing. Allele origin: germline.